The following is an entry in ClinVar:

ClinVar aggregate classification (germline): Uncertain significance. Review status: criteria provided, multiple submitters, no conflicts (2 of 4 stars). 2 submissions from 2 submitters: Uncertain significance (2). Last evaluated 2026-01-05.

Conditions:
Inborn genetic diseases. Identifiers: MedGen C0950123, MeSH D030342.

Allele frequency attached by ClinVar (database versions not stated): TOPMed 0.00002; gnomAD exomes 0.00006.
gnomAD v4.1: 85 of 1,613,214 alleles (0.0053%); highest among the groups gnomAD compares: Non-Finnish European, 0.0067%; no homozygotes.

Submissions (2):

Labcorp Genetics (formerly Invitae), Labcorp
Classification: Uncertain significance. Last evaluated: 2026-01-05. Review status: criteria provided, single submitter. Criteria: Invitae Variant Classification Sherloc (09022015). Collection method: clinical testing. Allele origin: germline.
Comment: This sequence change replaces arginine, which is basic and polar, with glutamine, which is neutral and polar, at codon 727 of the MECOM protein (p.Arg727Gln). This variant is present in population databases (no rsID available, gnomAD 0.006%). This variant has not been reported in the literature in individuals affected with MECOM-related conditions. ClinVar contains an entry for this variant (Variation ID: 2777141). An algorithm developed to predict the effect of missense changes on protein structure and function (PolyPhen-2) suggests that this variant is likely to be tolerated. In summary, the available evidence is currently insufficient to determine the role of this variant in disease. Therefore, it has been classified as a Variant of Uncertain Significance.

Ambry Genetics
Classification: Uncertain significance for Inborn genetic diseases. Last evaluated: 2024-11-22. Review status: criteria provided, single submitter. Criteria: Ambry Variant Classification Scheme 2023. Collection method: clinical testing. Allele origin: germline.
Comment: The p.R915Q variant (also known as c.2744G>A), located in coding exon 11 of the MECOM gene, results from a G to A substitution at nucleotide position 2744. The arginine at codon 915 is replaced by glutamine, an amino acid with highly similar properties. This amino acid position is conserved. In addition, the in silico prediction for this alteration is inconclusive. Based on the available evidence, the clinical significance of this variant remains unclear.

NM_004991.4(MECOM):c.2744G>A (p.Arg915Gln)

Gene: MECOM (MDS1 and EVI1 complex locus; minus strand). Cytogenetic location: 3q26.2.
Variant type: single nucleotide variant.
Coding change: c.2744G>A on transcript NM_004991.4 (MANE Select); coding-DNA position 2744, G replaced by A.
Protein change: p.Arg915Gln; replaces arginine 915 with glutamine.
Molecular consequence: missense variant.
Genome position (GRCh38, 1-based): chr3:169,102,087, C>T on the plus strand (G>A on the coding strand, the complement: MECOM is on the minus strand). VCF-style: chr3-169102087-C-T. GRCh37 (hg19) VCF-style: chr3-168819875-C-T.
Other names: c.2744G>A (NM_004991.3); c.2375G>A, p.Arg792Gln (NM_001105077.4); c.2180G>A, p.Arg727Gln (NM_001105078.4, NM_001205194.2, NM_001366469.2 and 1 more transcripts); c.2156G>A, p.Arg719Gln (NM_001163999.2, NM_001366470.2); c.2153G>A, p.Arg718Gln (NM_001164000.2, NM_001366471.2, NM_001366472.2); c.2717G>A, p.Arg906Gln (NM_001366466.2); c.2183G>A, p.Arg728Gln (NM_001366467.2, NM_001366468.2); c.1745G>A, p.Arg582Gln (NM_001366473.2); and 1 more; short protein forms R394Q, R582Q, R718Q, R727Q, R915Q, R728Q, R719Q, R792Q.
Identifiers: ClinVar variation 2777141 (VCV002777141.4), dbSNP rs1266973210, ClinGen allele CA355079018.